The following is an entry in ClinVar:

ClinVar aggregate classification (germline): Uncertain significance (1 of 4 stars; one submission).

Conditions:
Early Myoclonic Encephalopathy. Identifiers: MedGen C0270855.

Allele frequency attached by ClinVar (database versions not stated): gnomAD 0.00005; TOPMed 0.00008; gnomAD exomes 0.00002.
gnomAD v4.1: 20 of 1,613,784 alleles (0.0012%); highest among the groups gnomAD compares: Admixed American, 0.033%; no homozygotes.

Submission:

Labcorp Genetics (formerly Invitae), Labcorp
Classification: Uncertain significance for Early Myoclonic Encephalopathy. Last evaluated: 2024-02-05. Review status: criteria provided, single submitter. Criteria: Invitae Variant Classification Sherloc (09022015). Collection method: clinical testing. Allele origin: germline.
Comment: This sequence change replaces serine, which is neutral and polar, with asparagine, which is neutral and polar, at codon 1437 of the JMJD1C protein (p.Ser1437Asn). This variant is present in population databases (no rsID available, gnomAD 0.03%). This variant has not been reported in the literature in individuals affected with JMJD1C-related conditions. Advanced modeling of protein sequence and biophysical properties (such as structural, functional, and spatial information, amino acid conservation, physicochemical variation, residue mobility, and thermodynamic stability) performed at Invitae indicates that this missense variant is not expected to disrupt JMJD1C protein function with a negative predictive value of 80%. In summary, the available evidence is currently insufficient to determine the role of this variant in disease. Therefore, it has been classified as a Variant of Uncertain Significance.

NM_032776.3(JMJD1C):c.4310G>A (p.Ser1437Asn)

Gene: JMJD1C (jumonji domain containing 1C; minus strand). Cytogenetic location: 10q21.3.
Variant type: single nucleotide variant.
Coding change: c.4310G>A on transcript NM_032776.3 (MANE Select); coding-DNA position 4310, G replaced by A.
Protein change: p.Ser1437Asn; replaces serine 1437 with asparagine.
Molecular consequence: missense variant. On other transcripts: non-coding transcript variant (1).
Genome position (GRCh38, 1-based): chr10:63,207,359, C>T on the plus strand (G>A on the coding strand, the complement: JMJD1C is on the minus strand). VCF-style: chr10-63207359-C-T. GRCh37 (hg19) VCF-style: chr10-64967119-C-T.
Other names: c.3764G>A, p.Ser1255Asn (NM_001282948.2, NM_001318154.2); c.3446G>A, p.Ser1149Asn (NM_001318153.2); c.4196G>A, p.Ser1399Asn (NM_001322252.2); c.3653G>A, p.Ser1218Asn (NM_001322254.2, NM_001322258.2); short protein forms S1149N, S1218N, S1399N, S1437N, S1255N.
Identifiers: ClinVar variation 2844786 (VCV002844786.3), dbSNP rs1429603659, ClinGen allele CA377038044.